The following is an entry in ClinVar:

ClinVar aggregate classification (germline): Likely benign. Review status: criteria provided, multiple submitters, no conflicts (2 of 4 stars). 3 submissions from 3 submitters: Likely benign (2). 1 of the submissions does not count toward it. Last evaluated 2024-12-02.

Conditions:
DDX41-related disorder. Also called: DDX41-related condition.
Inborn genetic diseases. Identifiers: MedGen C0950123, MeSH D030342.

Allele frequency attached by ClinVar (database versions not stated): gnomAD 0.00001; TOPMed 0.00001.
gnomAD v4.1: 8 of 1,614,020 alleles (0.0005%); highest among the groups gnomAD compares: Non-Finnish European, 0.00068%; no homozygotes.

Submissions (3):

Ambry Genetics
Classification: Likely benign for Inborn genetic diseases. Last evaluated: 2024-12-02. Review status: criteria provided, single submitter. Criteria: Ambry Variant Classification Scheme 2023. Collection method: clinical testing. Allele origin: germline.

Labcorp Genetics (formerly Invitae), Labcorp
Classification: Likely benign. Last evaluated: 2023-02-04. Review status: criteria provided, single submitter. Criteria: Invitae Variant Classification Sherloc (09022015). Collection method: clinical testing. Allele origin: germline.

PreventionGenetics, part of Exact Sciences
Classification: Likely benign for DDX41-related condition. Last evaluated: 2022-07-07. Review status: no assertion criteria provided. Collection method: clinical testing. Allele origin: germline. Not counted in ClinVar's aggregate classification.
Comment: This variant is classified as likely benign based on ACMG/AMP sequence variant interpretation guidelines (Richards et al. 2015 PMID: 25741868, with internal and published modifications).

NM_016222.4(DDX41):c.456T>A (p.Val152=)

Gene: DDX41 (DEAD-box helicase 41; minus strand). Cytogenetic location: 5q35.3.
Variant type: single nucleotide variant.
Coding change: c.456T>A on transcript NM_016222.4 (MANE Select); coding-DNA position 456, T replaced by A.
Protein change: p.Val152=; no amino-acid change (valine 152 retained).
Molecular consequence: synonymous variant.
Genome position (GRCh38, 1-based): chr5:177,515,800, A>T on the plus strand (T>A on the coding strand, the complement: DDX41 is on the minus strand). VCF-style: chr5-177515800-A-T. GRCh37 (hg19) VCF-style: chr5-176942801-A-T.
Other names: c.456T>A (NM_016222.2, NM_016222.3); c.78T>A, p.Val26= (NM_001321732.2, NM_001321830.2).
Identifiers: ClinVar variation 2974753 (VCV002974753.6), dbSNP rs955969841, ClinGen allele CA132893573.